The following is an entry in ClinVar:

NM_130837.3(OPA1):c.1937A>G (p.Asn646Ser)

Gene: OPA1 (OPA1 mitochondrial dynamin like GTPase; plus strand). Cytogenetic location: 3q29.
Variant type: single nucleotide variant.
Coding change: c.1937A>G on transcript NM_130837.3 (MANE Select); coding-DNA position 1937, A replaced by G.
Protein change: p.Asn646Ser; replaces asparagine 646 with serine.
Molecular consequence: missense variant.
Genome position (GRCh38, 1-based): chr3:193,648,796, A>G. VCF-style: chr3-193648796-A-G. GRCh37 (hg19) VCF-style: chr3-193366585-A-G.
Other names: c.1403A>G, p.Asn468Ser (NM_001354663.2); c.1400A>G, p.Asn467Ser (NM_001354664.2); c.1772A>G, p.Asn591Ser (NM_015560.3); c.1664A>G, p.Asn555Ser (NM_130831.3); c.1718A>G, p.Asn573Ser (NM_130832.3); c.1775A>G, p.Asn592Ser (NM_130833.3); c.1826A>G, p.Asn609Ser (NM_130834.3); c.1829A>G, p.Asn610Ser (NM_130835.3); and 1 more; short protein forms N468S, N592S, N467S, N555S, N591S, N610S, N573S, N609S.
Identifiers: ClinVar variation 2993089 (VCV002993089.3), dbSNP rs1219357312, ClinGen allele CA355790775.

ClinVar aggregate classification (germline): Uncertain significance (1 of 4 stars; one submission).

Allele frequency attached by ClinVar (database versions not stated): TOPMed below 0.00001.

Submission:

Labcorp Genetics (formerly Invitae), Labcorp
Classification: Uncertain significance. Last evaluated: 2025-08-23. Review status: criteria provided, single submitter. Criteria: Invitae Variant Classification Sherloc (09022015). Collection method: clinical testing. Allele origin: germline.
Comment: This sequence change replaces asparagine, which is neutral and polar, with serine, which is neutral and polar, at codon 591 of the OPA1 protein (p.Asn591Ser). This variant is not present in population databases (gnomAD no frequency). This variant has not been reported in the literature in individuals affected with OPA1-related conditions. ClinVar contains an entry for this variant (Variation ID: 2993089). An algorithm developed to predict the effect of missense changes on protein structure and function (PolyPhen-2) suggests that this variant is likely to be tolerated. In summary, the available evidence is currently insufficient to determine the role of this variant in disease. Therefore, it has been classified as a Variant of Uncertain Significance.